The following is an entry in ClinVar:

ClinVar aggregate classification (germline): Conflicting classifications of pathogenicity. Review status: criteria provided, conflicting classifications (1 of 4 stars). 5 submissions from 5 submitters: Uncertain significance (1); Likely benign (3). 1 of the submissions does not count toward it. Last evaluated 2026-02-03.

Conditions:
KMT2D-related disorder. Also called: KMT2D-Related Disorders.
Kabuki syndrome. Also called: Kabuki make-up syndrome; NIIKAWA-KUROKI SYNDROME. Identifiers: Orphanet 2322, MedGen C0796004, MONDO:0016512.

Allele frequency attached by ClinVar (database versions not stated): gnomAD exomes 0.00010 and 0.00017; 1000 Genomes Project 0.00020; TOPMed 0.00014; 1000 Genomes Project 30x 0.00016; ExAC 0.00014; gnomAD 0.00015 and 0.00013; ESP Exome Variant Server 0.00023.
gnomAD v4.1: 261 of 1,589,174 alleles (0.016%); highest among the groups gnomAD compares: Non-Finnish European, 0.022%; no homozygotes.

Submissions (5):

Labcorp Genetics (formerly Invitae), Labcorp
Classification: Likely benign for Kabuki syndrome. Last evaluated: 2026-02-03. Review status: criteria provided, single submitter. Criteria: Invitae Variant Classification Sherloc (09022015). Collection method: clinical testing. Allele origin: germline.

CeGaT Center for Human Genetics Tuebingen
Classification: Likely benign. Last evaluated: 2025-12-01. Review status: criteria provided, single submitter. Criteria: CeGaT Center For Human Genetics Tuebingen Variant Classification Criteria Version 2. Collection method: clinical testing. Allele origin: germline. Affected: yes. Observed: 2 variant alleles.
Comment: KMT2D: BS1

Blueprint Genetics
Classification: Likely benign. Last evaluated: 2024-10-28. Review status: criteria provided, single submitter. Criteria: ACMG Guidelines, 2015. Collection method: clinical testing. Allele origin: germline.

Eurofins Ntd Llc (ga)
Classification: Uncertain significance. Last evaluated: 2013-12-05. Review status: criteria provided, single submitter. Criteria: EGL Classification Definitions 2015. Collection method: clinical testing. Allele origin: germline. Observed: 1 variant allele, 1 heterozygote.

PreventionGenetics, part of Exact Sciences
Classification: Likely benign for KMT2D-related condition. Last evaluated: 2022-09-28. Review status: no assertion criteria provided. Collection method: clinical testing. Allele origin: germline. Not counted in ClinVar's aggregate classification.
Comment: This variant is classified as likely benign based on ACMG/AMP sequence variant interpretation guidelines (Richards et al. 2015 PMID: 25741868, with internal and published modifications).

NM_003482.4(KMT2D):c.1378C>A (p.Pro460Thr)

Gene: KMT2D (lysine methyltransferase 2D; minus strand). Cytogenetic location: 12q13.12.
Variant type: single nucleotide variant.
Coding change: c.1378C>A on transcript NM_003482.4 (MANE Select); coding-DNA position 1378, C replaced by A.
Protein change: p.Pro460Thr; replaces proline 460 with threonine.
Molecular consequence: missense variant.
Genome position (GRCh38, 1-based): chr12:49,052,305, G>T on the plus strand (C>A on the coding strand, the complement: KMT2D is on the minus strand). VCF-style: chr12-49052305-G-T. GRCh37 (hg19) VCF-style: chr12-49446088-G-T.
Other names: short protein forms P460T.
Identifiers: ClinVar variation 167232 (VCV000167232.63), dbSNP rs201089405, ClinGen allele CA234189.